The following is an entry in ClinVar:

NM_181486.4(TBX5):c.1202G>A (p.Trp401Ter)

Gene: TBX5 (T-box transcription factor 5; minus strand). Cytogenetic location: 12q24.21.
Variant type: single nucleotide variant.
Coding change: c.1202G>A on transcript NM_181486.4 (MANE Select); coding-DNA position 1202, G replaced by A.
Protein change: p.Trp401Ter; replaces tryptophan 401 with a stop codon.
Molecular consequence: nonsense.
Genome position (GRCh38, 1-based): chr12:114,355,887, C>T on the plus strand (G>A on the coding strand, the complement: TBX5 is on the minus strand). VCF-style: chr12-114355887-C-T. GRCh37 (hg19) VCF-style: chr12-114793692-C-T.
Other names: c.1202G>A, p.Trp401Ter (NM_000192.3); c.1052G>A, p.Trp351Ter (NM_080717.4); short protein forms W351*, W401*.
Identifiers: ClinVar variation 1747898 (VCV001747898.2), dbSNP rs2540425164, ClinGen allele CA386925569.
Genomic context (GRCh38, chr12:114,355,887, plus strand): 5'-AGCCTGTCCATGGGCTGCACGGTGGTGACGGTGCAGCTGCTGTAGGAAGGCATGCTTGGC[C>T]ACGTGTTGCAGCTGATGTCCTCTAGGCTGGGCACAGGCTCGCTGGGGGGCGCAGAGCTGG-3'

ClinVar aggregate classification (germline): Likely pathogenic (1 of 4 stars; one submission).

Conditions:
Cardiovascular phenotype. Identifiers: MedGen CN230736.

Submission:

Ambry Genetics
Classification: Likely pathogenic for Cardiovascular phenotype. Last evaluated: 2018-09-04. Review status: criteria provided, single submitter. Criteria: Ambry Variant Classification Scheme 2023. Collection method: clinical testing. Allele origin: germline.
Comment: The p.W401* variant (also known as c.1202G>A), located in coding exon 8 of the TBX5 gene, results from a G to A substitution at nucleotide position 1202. This changes the amino acid from a tryptophan to a stop codon within coding exon 8. This variant was included in a study of preimplantation genetic diagnosis, but clinical details for any affected family member(s) were not provided (Fiorentino F et al. Hum. Reprod., 2006 Mar;21:670-84). Frameshifts are typically deleterious in nature, however, this frameshift occurs at the 3' terminus of TBX5, is not expected to trigger nonsense-mediated mRNA decay, and impacts only the last 118 amino acids of the protein. The exact functional impact of these altered amino acids is unknown at this time. However, nearby truncations have been associated with clinical features: p.Y407*, was reported to segregate with disease in a family with septal heart defects and cardiac conduction defects (Blue GM et al. J. Am. Coll. Cardiol., 2014 Dec;64:2498-506), while p.Q456* was detected in an individual with patent ductus arteriosis, one triphalangeal thumb, and one hypoplastic, triphalangeal thumb (Borozdin W et al. Hum. Mutat., 2006 Sep;27:975-6). Based on the majority of available evidence to date, this variant is likely to be pathogenic.

Literature cited by the submitters: PubMed 16311287; PubMed 16917909; PubMed 25500235.